The following is an entry in ClinVar:

NM_001382567.1(STIM1):c.2024T>C (p.Ile675Thr)

Genes: STIM1 (stromal interaction molecule 1; plus strand), LOC124418421 (Sharpr-MPRA regulatory region 9588; plus strand). Cytogenetic location: 11p15.4.
Variant type: single nucleotide variant.
Coding change: c.2024T>C on transcript NM_001382567.1 (MANE Select); coding-DNA position 2024, T replaced by C.
Protein change: p.Ile675Thr; replaces isoleucine 675 with threonine.
Molecular consequence: missense variant. On other transcripts: 3 prime UTR variant (4), non-coding transcript variant (3).
Genome position (GRCh38, 1-based): chr11:4,091,671, T>C. VCF-style: chr11-4091671-T-C. GRCh37 (hg19) VCF-style: chr11-4112901-T-C.
Other names: c.2249T>C, p.Ile750Thr (NM_001277961.3); c.*345T>C (NM_001277962.2, NM_001382578.1, NM_001382579.1 and 1 more transcripts); c.2027T>C, p.Ile676Thr (NM_001382566.1); c.1952T>C, p.Ile651Thr (NM_001382568.1); c.1796T>C, p.Ile599Thr (NM_001382569.1); c.1703T>C, p.Ile568Thr (NM_001382570.1); c.1451T>C, p.Ile484Thr (NM_001382571.1); c.1709T>C, p.Ile570Thr (NM_001382575.1, NM_001382576.1, NM_001382577.1); and 2 more; short protein forms I484T, I599T, I644T, I651T, I675T, I676T, I481T, I750T.
Identifiers: ClinVar variation 1475309 (VCV001475309.8), dbSNP rs2133265767, ClinGen allele CA379197975.

ClinVar aggregate classification (germline): Uncertain significance (1 of 4 stars; one submission).

Conditions:
Stormorken syndrome (STRMK). Also called: THROMBOCYTOPATHY, ASPLENIA, AND MIOSIS. Identifiers: Orphanet 3204, MedGen C1861451, MONDO:0008497, OMIM 185070.
Myopathy with tubular aggregates (TAM). Also called: Tubular Aggregate Myopathy. Identifiers: Orphanet 2593, MedGen C0410207, MONDO:0008051.
Combined immunodeficiency due to STIM1 deficiency. Also called: IMMUNODEFICIENCY 10; STIM1 DEFICIENCY. Identifiers: Orphanet 169090, Orphanet 317430, MedGen C2748557, MONDO:0013008, OMIM 612783.

Submission:

Labcorp Genetics (formerly Invitae), Labcorp
Classification: Uncertain significance for Myopathy with tubular aggregates; Combined immunodeficiency due to STIM1 deficiency; Stormorken syndrome. Last evaluated: 2021-06-20. Review status: criteria provided, single submitter. Criteria: Invitae Variant Classification Sherloc (09022015). Collection method: clinical testing. Allele origin: germline.
Comment: Algorithms developed to predict the effect of missense changes on protein structure and function are either unavailable or do not agree on the potential impact of this missense change (SIFT: "Deleterious"; PolyPhen-2: "Probably Damaging"; Align-GVGD: "Class C0"). This variant has not been reported in the literature in individuals with STIM1-related conditions. This variant is not present in population databases (ExAC no frequency). This sequence change replaces isoleucine with threonine at codon 644 of the STIM1 protein (p.Ile644Thr). The isoleucine residue is moderately conserved and there is a moderate physicochemical difference between isoleucine and threonine. In summary, the available evidence is currently insufficient to determine the role of this variant in disease. Therefore, it has been classified as a Variant of Uncertain Significance.